The following is an entry in ClinVar:

ClinVar aggregate classification (germline): Benign. Review status: reviewed by expert panel (3 of 4 stars). 3 submissions from 3 submitters: Benign (1). 2 of the submissions do not count toward it. Last evaluated 2026-10-13.

Conditions:
Metaphyseal chondrodysplasia, McKusick type (CHH). Also called: Cartilage-hair hypoplasia; Cartilage-Hair Hypoplasia (CHH). Identifiers: Orphanet 175, MedGen C0220748, MONDO:0009595, OMIM 250250.

Allele frequency attached by ClinVar (database versions not stated): gnomAD 0.08427 and 0.07802; gnomAD exomes 0.10050; 1000 Genomes Project 30x 0.14194; 1000 Genomes Project 0.14736.

Submissions (3):

ClinGen Severe Combined Immunodeficiency Variant Curation Expert Panel, ClinGen
Classification: Benign for Metaphyseal chondrodysplasia, McKusick type. Last evaluated: 2026-10-13. Review status: reviewed by expert panel. Criteria: ClinGen SCID ACMG Specifications RMRP V1.3. Collection method: curation. Allele origin: germline. Inheritance: Autosomal recessive inheritance.
Comment: NC_000009.12:g.35658166A>T is present in gnomAD 4.1.0 at a PopMax allele frequency of 0.3700, with [13166/35072 alleles, 2503 homozygotes] in the East Asian population, which is higher than the ClinGen SCID VCEP specified for BA1 threshold of >0.00400 and therefore meets this criterion (BA1). In summary, this variant meets the criteria to be classified as Benign for autosomal recessive cartilage-hair hypoplasia based on the ACMG/AMP criteria applied, as specified by the ClinGen SCID VCEP: BA1 (VCEP specifications version 1.3).

GeneDx
Classification: Benign. Last evaluated: 2018-07-02. Review status: criteria provided, single submitter. Criteria: GeneDx Variant Classification Process June 2021. Collection method: clinical testing. Allele origin: germline. Affected: yes. Not counted in ClinVar's aggregate classification.

Breakthrough Genomics
Classification: Benign. Review status: criteria provided, single submitter. Criteria: ACMG Guidelines, 2015. Collection method: not provided. Allele origin: germline. Inheritance: Autosomal recessive inheritance. Affected: yes. Not counted in ClinVar's aggregate classification.

NC_000009.12:g.35658166A>T

Genes: RMRP (RNA component of mitochondrial RNA processing endoribonuclease; minus strand), LOC130001714 (ATAC-STARR-seq lymphoblastoid silent region 19871; plus strand). Cytogenetic location: 9p13.3.
Variant type: single nucleotide variant.
Genome position: GRCh38 VCF-style: chr9-35658166-A-T. GRCh37 (hg19) VCF-style: chr9-35658163-A-T.
Identifiers: ClinVar variation 1229727 (VCV001229727.6), dbSNP rs3750430, ClinGen allele CA13096103.
Genomic context (GRCh38, chr9:35,658,166, plus strand): 5'-AAAAAAACCGTTTTCGGGCATAACTTTCTAAGACTATAGGCTTTCAGAGGCATTGTGGCT[A>T]GCAGAATAGCTAATAGACACGAAATGAACAAATACAGGAAAGCTAGAATGACACTATCTT-3'